The following is an entry in ClinVar:

NM_006766.5(KAT6A):c.1126TCA[5] (p.Ser379_Glu380insSer)

Gene: KAT6A (lysine acetyltransferase 6A; minus strand). Cytogenetic location: 8p11.21.
Variant type: Microsatellite.
Coding change: c.1126TCA[5] on transcript NM_006766.5 (MANE Select); five copies in a row of the 3-base unit TCA starting at c.1126; the reference has four copies in a row; one copy, 3 bases duplicated.
Protein change: p.Ser379_Glu380insSer.
Molecular consequence: inframe insertion.
Genome position (GRCh38, 1-based): chr8:41,977,234-41,977,236, TGA duplicated on the plus strand (TCA on the coding strand, the reverse complement: KAT6A is on the minus strand); duplicating any 3 consecutive bases within chr8:41,977,234-41,977,247 gives the same sequence; the position shown is the placement nearest the transcript's 3' end. VCF-style (leftmost placement, unchanged base first): chr8-41977233-C-CTGA. GRCh37 (hg19) VCF-style: chr8-41834751-C-CTGA.
Other names: c.1126TCA[5], p.Ser379_Glu380insSer (NM_001305878.2).
Identifiers: ClinVar variation 4706661 (VCV004706661.1).

ClinVar aggregate classification (germline): Uncertain significance (1 of 4 stars; one submission).

Submission:

Labcorp Genetics (formerly Invitae), Labcorp
Classification: Uncertain significance. Last evaluated: 2025-08-26. Review status: criteria provided, single submitter. Criteria: Invitae Variant Classification Sherloc (09022015). Collection method: clinical testing. Allele origin: germline.
Comment: This variant, c.1135_1137dup, results in the insertion of 1 amino acid(s) of the KAT6A protein (p.Ser379dup), but otherwise preserves the integrity of the reading frame. This variant is present in population databases (rs780076659, gnomAD 0.02%). This variant has not been reported in the literature in individuals affected with KAT6A-related conditions. In summary, the available evidence is currently insufficient to determine the role of this variant in disease. Therefore, it has been classified as a Variant of Uncertain Significance.